The following is an entry in ClinVar:

ClinVar aggregate classification (germline): Conflicting classifications of pathogenicity. Review status: criteria provided, conflicting classifications (1 of 4 stars). 6 submissions from 6 submitters: Uncertain significance (4); Likely benign (2). Last evaluated 2026-04-08.

Conditions:
CREBBP-related disorder. Also called: CREBBP-related condition; CREBBP-related disorders.
Rubinstein-Taybi syndrome due to CREBBP mutations (RSTS1). Also called: RUBINSTEIN-TAYBI SYNDROME 1, INCOMPLETE; BROAD THUMB-HALLUX SYNDROME; Rubinstein-Taybi syndrome 1; RUBINSTEIN SYNDROME; BROAD THUMBS AND GREAT TOES, CHARACTERISTIC FACIES, AND IMPAIRED INTELLECTUAL DEVELOPMENT; CREBBP-Related Rubinstein-Taybi Syndrome. Identifiers: Orphanet 353277, Orphanet 783, MedGen C4551859, MONDO:0008393, OMIM 180849.
Menke-Hennekam syndrome 1 (MKHK1). Identifiers: MedGen C5193034, MONDO:0020763, OMIM 618332.
Rubinstein-Taybi syndrome (RSTS). Identifiers: Orphanet 783, MedGen C0035934, MONDO:0019188.
Inborn genetic diseases. Identifiers: MedGen C0950123, MeSH D030342.

Allele frequency attached by ClinVar (database versions not stated): TOPMed below 0.00001; gnomAD 0.00001; ESP Exome Variant Server 0.00008.
gnomAD v4.1: 29 of 1,613,986 alleles (0.0018%); highest among the groups gnomAD compares: East Asian, 0.0045%; no homozygotes.

Submissions (6):

PreventionGenetics, part of Exact Sciences
Classification: Uncertain significance for CREBBP-related condition. Last evaluated: 2026-04-08. Review status: criteria provided, single submitter. Criteria: ACMG Guidelines, 2015. Collection method: clinical testing. Allele origin: germline.
Comment: The CREBBP c.7222A>G variant is predicted to result in the amino acid substitution p.Met2408Val. To our knowledge, this variant has not been reported in the literature. This variant is reported in 0.0065% of alleles in individuals of South Asian descent in gnomAD. At this time, the clinical significance of this variant is uncertain due to the absence of conclusive functional and genetic evidence.

Ambry Genetics
Classification: Uncertain significance for Inborn genetic diseases. Last evaluated: 2025-08-25. Review status: criteria provided, single submitter. Criteria: Ambry Variant Classification Scheme 2023. Collection method: clinical testing. Allele origin: germline.

Labcorp Genetics (formerly Invitae), Labcorp
Classification: Likely benign for Rubinstein-Taybi syndrome. Last evaluated: 2024-07-24. Review status: criteria provided, single submitter. Criteria: Invitae Variant Classification Sherloc (09022015). Collection method: clinical testing. Allele origin: germline.

CeGaT Center for Human Genetics Tuebingen
Classification: Likely benign. Last evaluated: 2024-07-01. Review status: criteria provided, single submitter. Criteria: CeGaT Center For Human Genetics Tuebingen Variant Classification Criteria Version 2. Collection method: clinical testing. Allele origin: germline. Affected: yes. Observed: 1 variant allele.
Comment: CREBBP: BS2

Fulgent Genetics
Classification: Uncertain significance for Rubinstein-Taybi syndrome due to CREBBP mutations; Menke-Hennekam syndrome 1. Last evaluated: 2024-05-03. Review status: criteria provided, single submitter. Criteria: ACMG Guidelines, 2015. Collection method: clinical testing. Allele origin: germline.

Genetic Services Laboratory, University of Chicago
Classification: Uncertain significance. Last evaluated: 2019-06-27. Review status: criteria provided, single submitter. Criteria: ACMG Guidelines, 2015. Collection method: clinical testing. Allele origin: germline. Affected: no.

NM_004380.3(CREBBP):c.7222A>G (p.Met2408Val)

Gene: CREBBP (CREB binding lysine acetyltransferase; minus strand). Cytogenetic location: 16p13.3.
Variant type: single nucleotide variant.
Coding change: c.7222A>G on transcript NM_004380.3 (MANE Select); coding-DNA position 7222, A replaced by G.
Protein change: p.Met2408Val; replaces methionine 2408 with valine.
Molecular consequence: missense variant.
Genome position (GRCh38, 1-based): chr16:3,727,825, T>C on the plus strand (A>G on the coding strand, the complement: CREBBP is on the minus strand). VCF-style: chr16-3727825-T-C. GRCh37 (hg19) VCF-style: chr16-3777826-T-C.
Other names: c.7108A>G, p.Met2370Val (NM_001079846.1); short protein forms M2370V, M2408V.
Identifiers: ClinVar variation 1337141 (VCV001337141.27), dbSNP rs372005280, ClinGen allele CA7868932.
Genomic context (GRCh38, chr16:3,727,825, plus strand): 5'-CGACCAGGGACAGTTCGCTGGACAGCGCACTCCTGCTGGGGGTGTTCAGCTGGGGGAGCA[T>C]TGCACTCTGTTCGGGGTTCCCCAAGTGTCCCTGATCTATGGAGCTGGCCATGGTGACTGC-3'
Protein context (NP_004371.2, residues 2398-2418): GHLGNPEQSA[Met2408Val]LPQLNTPSRS